The following is an entry in ClinVar:

NM_000987.5(RPL26):c.106A>G (p.Lys36Glu)

Gene: RPL26 (ribosomal protein L26; minus strand). Cytogenetic location: 17p13.1.
Variant type: single nucleotide variant.
Coding change: c.106A>G on transcript NM_000987.5 (MANE Select); coding-DNA position 106, A replaced by G.
Protein change: p.Lys36Glu; replaces lysine 36 with glutamic acid.
Molecular consequence: missense variant.
Genome position (GRCh38, 1-based): chr17:8,382,205, T>C on the plus strand (A>G on the coding strand, the complement: RPL26 is on the minus strand). VCF-style: chr17-8382205-T-C. GRCh37 (hg19) VCF-style: chr17-8285523-T-C.
Other names: c.106A>G, p.Lys36Glu (NM_001315530.2, NM_001315531.2); short protein forms K36E.
Identifiers: ClinVar variation 4538057 (VCV004538057.1).

ClinVar aggregate classification (germline): Uncertain significance (1 of 4 stars; one submission).

Submission:

GeneDx
Classification: Uncertain significance. Last evaluated: 2025-06-11. Review status: criteria provided, single submitter. Criteria: GeneDx Variant Classification Process June 2021. Collection method: clinical testing. Allele origin: germline. Affected: yes.
Comment: Not observed at significant frequency in large population cohorts (gnomAD); In silico analysis supports that this missense variant has a deleterious effect on protein structure/function; Has not been previously published as pathogenic or benign to our knowledge